The following is an entry in ClinVar:

ClinVar aggregate classification (germline): Likely pathogenic (1 of 4 stars; one submission).

Conditions:
BRPF1-related disorder. Also called: BRPF1-related condition.

Submission:

PreventionGenetics, part of Exact Sciences
Classification: Likely pathogenic for BRPF1-related condition. Last evaluated: 2026-02-02. Review status: criteria provided, single submitter. Criteria: ACMG Guidelines, 2015. Collection method: clinical testing. Allele origin: germline.
Comment: The BRPF1 c.2063_2064delTG variant is predicted to result in premature protein termination (p.Leu688*). To our knowledge, this variant has not been reported in the literature or in a large population database (gnomAD), indicating this variant is rare. Frameshift variants in BRPF1 are expected to be pathogenic. This variant is interpreted as likely pathogenic.

NM_001003694.2(BRPF1):c.2063_2064del (p.Asn687_Leu688insTer)

Gene: BRPF1 (bromodomain and PHD finger containing 1; plus strand). Cytogenetic location: 3p25.3.
Variant type: Deletion.
Coding change: c.2063_2064del on transcript NM_001003694.2 (MANE Select); coding-DNA positions 2063 to 2064, 2 bases deleted (TG; older notation c.2063_2064delTG).
Protein change: p.Asn687_Leu688insTer.
Molecular consequence: nonsense. On other transcripts: non-coding transcript variant (1).
Genome position (GRCh38, 1-based): chr3:9,743,005-9,743,006, TG deleted. VCF-style (leftmost placement, unchanged base first): chr3-9743004-TTG-T. GRCh37 (hg19) VCF-style: chr3-9784688-TTG-T.
Other names: c.2045_2046del, p.Asn681_Leu682insTer (NM_001319049.2, NM_001319050.2, NM_001437892.1 and 4 more transcripts); c.2063_2064del, p.Asn687_Leu688insTer (NM_001410704.1, NM_001438344.1, NM_001438345.1).
Identifiers: ClinVar variation 4991701 (VCV004991701.1).